The following is an entry in ClinVar:

ClinVar aggregate classification (germline): Likely benign. Review status: criteria provided, single submitter (1 of 4 stars). 2 submissions from 2 submitters: Likely benign (1). 1 of the submissions does not count toward it. Last evaluated 2025-12-19.

Conditions:
OTULIN-related disorder. Also called: OTULIN-related condition.

Allele frequency attached by ClinVar (database versions not stated): gnomAD exomes 0.00001 and 0.00002; ExAC 0.00004; gnomAD 0.00004; TOPMed 0.00011; 1000 Genomes Project 30x 0.00016; 1000 Genomes Project 0.00020.
gnomAD v4.1: 16 of 1,605,824 alleles (0.001%); highest among the groups gnomAD compares: African/African-American, 0.012%; no homozygotes.

Submissions (2):

Labcorp Genetics (formerly Invitae), Labcorp
Classification: Likely benign. Last evaluated: 2025-12-19. Review status: criteria provided, single submitter. Criteria: Invitae Variant Classification Sherloc (09022015). Collection method: clinical testing. Allele origin: germline.

PreventionGenetics, part of Exact Sciences
Classification: Likely benign for OTULIN-related condition. Last evaluated: 2024-01-24. Review status: no assertion criteria provided. Collection method: clinical testing. Allele origin: germline. Not counted in ClinVar's aggregate classification.
Comment: This variant is classified as likely benign based on ACMG/AMP sequence variant interpretation guidelines (Richards et al. 2015 PMID: 25741868, with internal and published modifications).

NM_138348.6(OTULIN):c.462C>T (p.Leu154=)

Gene: OTULIN (OTU deubiquitinase with linear linkage specificity; plus strand). Cytogenetic location: 5p15.2.
Variant type: single nucleotide variant.
Coding change: c.462C>T on transcript NM_138348.6 (MANE Select); coding-DNA position 462, C replaced by T.
Protein change: p.Leu154=; no amino-acid change (leucine 154 retained).
Molecular consequence: synonymous variant.
Genome position (GRCh38, 1-based): chr5:14,681,601, C>T. VCF-style: chr5-14681601-C-T. GRCh37 (hg19) VCF-style: chr5-14681710-C-T.
Other names: c.462C>T (NM_138348.5).
Identifiers: ClinVar variation 1591279 (VCV001591279.11), dbSNP rs201942769, ClinGen allele CA3208604.